The following is an entry in ClinVar:

NM_199420.4(POLQ):c.4934T>C (p.Ile1645Thr)

Gene: POLQ (DNA polymerase theta; minus strand). Cytogenetic location: 3q13.33.
Variant type: single nucleotide variant.
Coding change: c.4934T>C on transcript NM_199420.4 (MANE Select); coding-DNA position 4934, T replaced by C.
Protein change: p.Ile1645Thr; replaces isoleucine 1645 with threonine.
Molecular consequence: missense variant.
Genome position (GRCh38, 1-based): chr3:121,487,997, A>G on the plus strand (T>C on the coding strand, the complement: POLQ is on the minus strand). VCF-style: chr3-121487997-A-G. GRCh37 (hg19) VCF-style: chr3-121206844-A-G.
Other names: short protein forms I1645T.
Identifiers: ClinVar variation 1744216 (VCV001744216.2), dbSNP rs1380178276, ClinGen allele CA354093107.

ClinVar aggregate classification (germline): Uncertain significance (1 of 4 stars; one submission).

Allele frequency attached by ClinVar (database versions not stated): TOPMed below 0.00001; gnomAD 0.00001.
gnomAD v4.1: 1 of 1,612,946 alleles (0.000062%); highest among the groups gnomAD compares: Non-Finnish European, 0.000085%; no homozygotes.

Submission:

Ambry Genetics
Classification: Uncertain significance. Last evaluated: 2021-10-12. Review status: criteria provided, single submitter. Criteria: Ambry Variant Classification Scheme 2023. Collection method: clinical testing. Allele origin: germline.
Comment: The p.I1645T variant (also known as c.4934T>C), located in coding exon 16 of the POLQ gene, results from a T to C substitution at nucleotide position 4934. The isoleucine at codon 1645 is replaced by threonine, an amino acid with similar properties. This amino acid position is conserved. In addition, the in silico prediction for this alteration is inconclusive. Since supporting evidence is limited at this time, the clinical significance of this alteration remains unclear.